The following is an entry in ClinVar:

NM_001374736.1(DST):c.5148-8T>C

Gene: DST (dystonin; minus strand). Cytogenetic location: 6p12.1.
Variant type: single nucleotide variant.
Coding change: c.5148-8T>C on transcript NM_001374736.1 (MANE Select); 8 bases into the intron before coding-DNA position 5148, T replaced by C.
Molecular consequence: intron variant.
Genome position (GRCh38, 1-based): chr6:56,610,570, A>G on the plus strand (T>C on the coding strand, the complement: DST is on the minus strand). VCF-style: chr6-56610570-A-G. GRCh37 (hg19) VCF-style: chr6-56475368-A-G.
Other names: c.5049-8T>C (NM_001144769.5, NM_001144769.2); c.5148-8T>C (NM_001374722.1); c.5175-8T>C (NM_001374734.1); c.4635-8T>C (NM_001144770.2); c.4515-8T>C (NM_001374730.1, NM_001386100.1, NM_183380.4 and 1 more transcripts); c.3537-8T>C (NM_015548.5).
Identifiers: ClinVar variation 1161997 (VCV001161997.35), dbSNP rs376856354, ClinGen allele CA3869785.

ClinVar aggregate classification (germline): Likely benign. Review status: criteria provided, multiple submitters, no conflicts (2 of 4 stars). 4 submissions from 4 submitters: Likely benign (4). Last evaluated 2026-01-28.

Conditions:
DST-related disorder. Also called: DST-related condition; DST-related disorders.
Hereditary sensory and autonomic neuropathy type 6. Also called: HSAN VI; Neuropathy, hereditary sensory and autonomic, type VI. Identifiers: Orphanet 314381, MedGen C3539003, MONDO:0013839, OMIM 614653.
Epidermolysis bullosa simplex 3, localized or generalized intermediate, with BP230 deficiency (EBS3). Also called: Epidermolysis bullosa simplex due to BP230 deficiency; Epidermolysis bullosa simplex, autosomal recessive 2. Identifiers: Orphanet 412181, MedGen C3809470, MONDO:0014180, OMIM 615425.

Allele frequency attached by ClinVar (database versions not stated): 1000 Genomes Project 0.00020; ESP Exome Variant Server 0.00026; TOPMed 0.00027; 1000 Genomes Project 30x 0.00031; gnomAD 0.00034; gnomAD exomes 0.00035 and 0.00052; ExAC 0.00084.
gnomAD v4.1: 533 of 1,570,460 alleles (0.034%); highest among the groups gnomAD compares: Non-Finnish European, 0.036%; 1 homozygote.

Submissions (4):

Labcorp Genetics (formerly Invitae), Labcorp
Classification: Likely benign for Epidermolysis bullosa simplex 3, localized or generalized intermediate, with BP230 deficiency; Hereditary sensory and autonomic neuropathy type 6. Last evaluated: 2026-01-28. Review status: criteria provided, single submitter. Criteria: Invitae Variant Classification Sherloc (09022015). Collection method: clinical testing. Allele origin: germline.

PreventionGenetics, part of Exact Sciences
Classification: Likely benign for DST-related condition. Last evaluated: 2025-10-22. Review status: criteria provided, single submitter. Criteria: ACMG Guidelines, 2015. Collection method: clinical testing. Allele origin: germline.
Comment: This variant is classified as likely benign based on ACMG/AMP sequence variant interpretation guidelines (Richards et al. 2015 PMID: 25741868, with internal and published modifications).

Blueprint Genetics
Classification: Likely benign. Last evaluated: 2024-10-14. Review status: criteria provided, single submitter. Criteria: ACMG Guidelines, 2015. Collection method: clinical testing. Allele origin: germline.

CeGaT Center for Human Genetics Tuebingen
Classification: Likely benign. Last evaluated: 2023-03-01. Review status: criteria provided, single submitter. Criteria: CeGaT Center For Human Genetics Tuebingen Variant Classification Criteria Version 2. Collection method: clinical testing. Allele origin: germline. Affected: yes. Observed: 1 variant allele.
Comment: DST: BP4